The following is an entry in ClinVar:

NM_004771.4(MMP20):c.389C>T (p.Thr130Ile)

Gene: MMP20 (matrix metallopeptidase 20; minus strand). Cytogenetic location: 11q22.2.
Variant type: single nucleotide variant.
Coding change: c.389C>T on transcript NM_004771.4 (MANE Select); coding-DNA position 389, C replaced by T.
Protein change: p.Thr130Ile; replaces threonine 130 with isoleucine.
Molecular consequence: missense variant.
Genome position (GRCh38, 1-based): chr11:102,611,889, G>A on the plus strand (C>T on the coding strand, the complement: MMP20 is on the minus strand). VCF-style: chr11-102611889-G-A. GRCh37 (hg19) VCF-style: chr11-102482620-G-A.
Other names: short protein forms T130I.
Identifiers: ClinVar variation 631643 (VCV000631643.48), dbSNP rs61730849, ClinGen allele CA6248474.
Genomic context (GRCh38, chr11:102,611,889, plus strand): 5'-CTCCAGGCCTGCAAGGCCATCTCCACTGCTTTGTCCACCTCGACAGAACTCATGGAAGGT[G>A]TGTATTTAGATATTCTGTGAAAACGGAAGGAACATGTTTTCTTTTCAGTAACTGCTCCGA-3'
Protein context (NP_004762.2, residues 120-140): NTLTYRISKY[Thr130Ile]PSMSSVEVDK

ClinVar aggregate classification (germline): Conflicting classifications of pathogenicity. Review status: criteria provided, conflicting classifications (1 of 4 stars). 9 submissions from 9 submitters: Likely pathogenic (6); Uncertain significance (2); Likely benign (1). Last evaluated 2026-04-20.

Conditions:
MMP20-related disorder. Also called: MMP20-related condition.
Amelogenesis imperfecta hypomaturation type 2A2. Also called: Amelogenesis imperfecta, hypomaturation type, IIA2; Amelogenesis imperfecta, type IIA2; AMELOGENESIS IMPERFECTA, PIGMENTED HYPOMATURATION TYPE, 2. Identifiers: Orphanet 88661, MedGen C2675858, MONDO:0012926, OMIM 612529. Disease mechanism: loss of function.

Allele frequency attached by ClinVar (database versions not stated): gnomAD 0.00170 and 0.00180; 1000 Genomes Project 0.00040; 1000 Genomes Project 30x 0.00047; TOPMed 0.00099; gnomAD exomes 0.00135 and 0.00149; ESP Exome Variant Server 0.00154; ExAC 0.00165.
gnomAD v4.1: 2,225 of 1,614,098 alleles (0.14%); highest among the groups gnomAD compares: Non-Finnish European, 0.15%; 11 homozygotes.

Submissions (9):

GeneDx
Classification: Likely pathogenic. Last evaluated: 2026-04-20. Review status: criteria provided, single submitter. Criteria: GeneDx Variant Classification Process June 2021. Collection method: clinical testing. Allele origin: germline.
Comment: In silico analysis supports that this missense variant has a deleterious effect on protein structure/function; This variant is associated with the following publications: (PMID: 24159389, 23625376, 28473773, 25487982, 34426522, 28659819, 32495503, 41585151, 40725478)

CeGaT Center for Human Genetics Tuebingen
Classification: Likely pathogenic. Last evaluated: 2026-04-01. Review status: criteria provided, single submitter. Criteria: CeGaT Center For Human Genetics Tuebingen Variant Classification Criteria Version 2. Collection method: clinical testing. Allele origin: germline. Affected: yes. Observed: 2 variant alleles.
Comment: MMP20: PM3:Strong, PM2:Supporting, PS3:Supporting

PreventionGenetics, part of Exact Sciences
Classification: Likely pathogenic for MMP20-related condition. Last evaluated: 2025-12-04. Review status: criteria provided, single submitter. Criteria: ACMG Guidelines, 2015. Collection method: clinical testing. Allele origin: germline.
Comment: The MMP20 c.389C>T variant is predicted to result in the amino acid substitution p.Thr130Ile. This variant has been previously reported in the homozygous or compound heterozygous state in unrelated individuals with amelogenesis imperfecta (Gasse et al. 2013. PubMed ID: 23625376; Kim et al. 2017. PubMed ID: 28473773; Gasse et al. 2017. PubMed ID: 28659819; Wang et al. 2020. PubMed ID: 32495503). Functional studies of the c.389C>T (p.Thr130Ile) variant showed a reduced amount of the MMP20 protein but proteolytic activity was intact (Kim et al. 2017. PubMed ID: 28473773). This variant is reported in 0.56% of alleles in individuals of European (Finnish) descent in gnomAD, including two homozygous individuals. This variant is interpreted as likely pathogenic.

First Genomix Gene Laboratory, Genetic Diagnostics Department
Classification: Likely pathogenic for Amelogenesis imperfecta hypomaturation type 2A2. Last evaluated: 2025-06-02. Review status: criteria provided, single submitter. Criteria: ACMG Guidelines, 2015. Collection method: clinical testing. Allele origin: germline. Inheritance: Autosomal recessive inheritance. Affected: no. Observed: 1 variant allele.

Dasa
Classification: Uncertain significance. Last evaluated: 2025-05-18. Review status: criteria provided, single submitter. Criteria: DASA Assertion Criteria. Collection method: clinical testing. Allele origin: germline.
Comment: NM_004771.4(MMP20):c.389C>T (p.Thr130Ile) is a missense variant that results in the substitution of threonine with isoleucine. This variant has been recurrently observed in individuals with MMP20-related disorders (PMID: 23625376; PMID: 28473773). Functional evidence supports an impact on the gene or gene product (PMID: 23625376; PMID: 28473773). Also, this variant is rare in population databases. The currently available literature and clinical evidence are not sufficient to establish a definitive association between this variant and the reported condition. Therefore, this variant is classified as a variant of uncertain significance.

Blueprint Genetics
Classification: Likely pathogenic for MMP20-related disorders. Last evaluated: 2024-11-26. Review status: criteria provided, single submitter. Criteria: ACMG Guidelines, 2015. Collection method: clinical testing. Allele origin: germline. Affected: yes. Observed: 5 variant alleles.

Institute for Clinical Genetics, University Hospital TU Dresden, University Hospital TU Dresden
Classification: Uncertain significance. Last evaluated: 2021-11-03. Review status: criteria provided, single submitter. Criteria: ACMG Guidelines, 2015. Collection method: clinical testing. Allele origin: germline.

Illumina Laboratory Services, Illumina
Classification: Likely pathogenic for Amelogenesis imperfecta hypomaturation type 2A2. Last evaluated: 2019-01-13. Review status: criteria provided, single submitter. Criteria: ICSL Variant Classification Criteria 09 May 2019. Collection method: clinical testing. Allele origin: germline.
Comment: The MMP20 c.389C>T (p.Thr130Ile) missense variant has been reported in three studies in which it is found in a total of four individuals with amelogenesis imperfecta, including in one in a homozygous state and in three in a compound heterozygous state (Gasse et al. 2013; Gasse et al. 2017; Kim et al. 2017). In all studies, one of the unaffected parents was shown to be heterozygous for the variant. Control data are unavailable for this variant which is reported at a frequency of 0.005575 in the European (Finnish) population from the Genome Aggregation Database. Of note, there are two homozygotes reported in the European (non-Finnish) population from this database. In HEK293 cells, the p.Thr130Ile variant showed reduced secretion into the enamel matrix with retention of proteolytic activity, suggesting reduced functional activity of the protein (Kim et al. 2017). Based on the evidence, the p.Thr130Ile variant is likely pathogenic for amelogenesis imperfecta. This variant was observed by ICSL as part of a predisposition screen in an ostensibly healthy population.

Labcorp Genetics (formerly Invitae), Labcorp
Classification: Likely benign. Last evaluated: 2017-10-16. Review status: criteria provided, single submitter. Criteria: Invitae Variant Classification Sherloc (09022015). Collection method: clinical testing. Allele origin: germline.

Literature cited by the submitters: PubMed 23625376 (cited by Dasa and Illumina Laboratory Services, Illumina); PubMed 28473773 (cited by Dasa and Illumina Laboratory Services, Illumina); PubMed 28659819 (cited by Illumina Laboratory Services, Illumina).